The following is an entry in ClinVar:

ClinVar aggregate classification (germline): Uncertain significance. Review status: criteria provided, multiple submitters, no conflicts (2 of 4 stars). 3 submissions from 3 submitters: Uncertain significance (2). 1 of the submissions does not count toward it. Last evaluated 2026-01-13.

Conditions:
TRPV4-related disorder. Also called: TRPV4-related disorders; TRPV4-related condition.
Charcot-Marie-Tooth disease. Also called: Charcot-Marie-Tooth Neuropathy; Charcot-Marie-Tooth Hereditary Neuropathy. Identifiers: Orphanet 166, MedGen C0007959, MONDO:0015626.
Charcot-Marie-Tooth disease axonal type 2C (HMSN2C). Also called: CHARCOT-MARIE-TOOTH DISEASE, AXONAL, AUTOSOMAL DOMINANT, TYPE 2C; Charcot-Marie-Tooth Neuropathy Type 2C; Charcot-Marie-Tooth Disease Type 2, TRPV4-Related (CMT2C). Identifiers: Orphanet 99937, MedGen C1853710, MONDO:0011633, OMIM 606071.

Allele frequency attached by ClinVar (database versions not stated): gnomAD 0.00001; gnomAD exomes 0.00001 and 0.00003; TOPMed 0.00001; ExAC 0.00002.
gnomAD v4.1: 45 of 1,613,770 alleles (0.0028%); highest among the groups gnomAD compares: Non-Finnish European, 0.0038%; no homozygotes.

Submissions (3):

PreventionGenetics, part of Exact Sciences
Classification: Uncertain significance for TRPV4-related condition. Last evaluated: 2026-01-13. Review status: criteria provided, single submitter. Criteria: ACMG Guidelines, 2015. Collection method: clinical testing. Allele origin: germline.
Comment: The TRPV4 c.904A>T variant is predicted to result in the amino acid substitution p.Asn302Tyr. This variant has been reported in an individual with Charcot-Marie-Tooth disease, type 2 (Fawcett et al. 2012. PubMed ID: 22851605). This variant is reported in 0.0027% of alleles in individuals of European (Non-Finnish) descent in gnomAD. At this time, the clinical significance of this variant is uncertain due to the absence of conclusive functional and genetic evidence.

Labcorp Genetics (formerly Invitae), Labcorp
Classification: Uncertain significance for Charcot-Marie-Tooth disease axonal type 2C. Last evaluated: 2025-11-23. Review status: criteria provided, single submitter. Criteria: Invitae Variant Classification Sherloc (09022015). Collection method: clinical testing. Allele origin: germline.
Comment: This sequence change replaces asparagine, which is neutral and polar, with tyrosine, which is neutral and polar, at codon 302 of the TRPV4 protein (p.Asn302Tyr). This variant is present in population databases (rs780551685, gnomAD 0.003%). This missense change has been observed in individual(s) with Charcot-Marie-Tooth disease (PMID: 22851605). ClinVar contains an entry for this variant (Variation ID: 637420). Invitae Evidence Modeling of protein sequence and biophysical properties (such as structural, functional, and spatial information, amino acid conservation, physicochemical variation, residue mobility, and thermodynamic stability) has been performed for this missense variant. However, the output from this modeling did not meet the statistical confidence thresholds required to predict the impact of this variant on TRPV4 protein function. In summary, the available evidence is currently insufficient to determine the role of this variant in disease. Therefore, it has been classified as a Variant of Uncertain Significance.

Inherited Neuropathy Consortium
Classification: Uncertain significance for Charcot-Marie-Tooth disease. Review status: no assertion criteria provided. Collection method: literature only. Allele origin: germline. Affected: yes. Not counted in ClinVar's aggregate classification.

Literature cited by the submitters: PubMed 22851605 (cited by Labcorp Genetics (formerly Invitae), Labcorp and Inherited Neuropathy Consortium).

NM_021625.5(TRPV4):c.904A>T (p.Asn302Tyr)

Gene: TRPV4 (transient receptor potential cation channel subfamily V member 4; minus strand). Cytogenetic location: 12q24.11.
Variant type: single nucleotide variant.
Coding change: c.904A>T on transcript NM_021625.5 (MANE Select); coding-DNA position 904, A replaced by T.
Protein change: p.Asn302Tyr; replaces asparagine 302 with tyrosine.
Molecular consequence: missense variant.
Genome position (GRCh38, 1-based): chr12:109,798,862, T>A on the plus strand (A>T on the coding strand, the complement: TRPV4 is on the minus strand). VCF-style: chr12-109798862-T-A. GRCh37 (hg19) VCF-style: chr12-110236667-T-A.
Other names: c.763A>T, p.Asn255Tyr (NM_001177428.2, NM_001177433.2); c.802A>T, p.Asn268Tyr (NM_001177431.2); c.904A>T, p.Asn302Tyr (NM_147204.3); short protein forms N302Y, N268Y, N255Y.
Identifiers: ClinVar variation 637420 (VCV000637420.10), dbSNP rs780551685, ClinGen allele CA6780387.